The following is an entry in ClinVar:

ClinVar aggregate classification (germline): Pathogenic (1 of 4 stars; one submission).

Conditions:
Mucopolysaccharidosis, MPS-II (MPS2). Also called: Hunter Syndrome; IDURONATE 2-SULFATASE DEFICIENCY; Mucopolysaccharidosis Type II; Mucopolysaccharidosis type 2; Attenuated MPS (subtype; formerly known as mild MPS II); Severe MPS II. Identifiers: Orphanet 580, Orphanet 79388, MedGen C0026705, MONDO:0010674, OMIM 309900.

Submission:

Laboratory of Diagnosis and Therapy of Lysosomal Disorders, University of Padova
Classification: Pathogenic for Mucopolysaccharidosis, MPS-II. Last evaluated: 2024-06-07. Review status: criteria provided, single submitter. Criteria: ACMG Guidelines, 2015. Collection method: literature only. Allele origin: germline. Affected: yes. Observed: 1 variant allele.
Comment: Null variant (PVS1_VeryStrong), Absent from controls (or at low frequency) in gnomAD database (PM2_Moderate), Patient’s phenotype or family history highly specific for the disease (PP4_Strong)

Classification method: ACMG Guidelines [PMID:25741868] with modifications

Literature cited by the submitters: PubMed 36945845.

NM_000202.8(IDS):c.73G>T (p.Gly25Ter)

Genes: IDS (iduronate 2-sulfatase; minus strand), LOC130068781 (ATAC-STARR-seq lymphoblastoid active region 30015; plus strand). Cytogenetic location: Xq28.
Variant type: single nucleotide variant.
Coding change: c.73G>T on transcript NM_000202.8 (MANE Select); coding-DNA position 73, G replaced by T.
Protein change: p.Gly25Ter; replaces glycine 25 with a stop codon.
Molecular consequence: nonsense. On other transcripts: 5 prime UTR variant (1), non-coding transcript variant (1).
Genome position (GRCh38, 1-based): chrX:149,505,065, C>A on the plus strand (G>T on the coding strand, the complement: IDS is on the minus strand). VCF-style: chrX-149505065-C-A. GRCh37 (hg19) VCF-style: chrX-148586595-C-A.
Other names: c.-154G>T (NM_001166550.4); c.73G>T, p.Gly25Ter (NM_006123.5); short protein forms G25*.
Identifiers: ClinVar variation 3255660 (VCV003255660.2).